The following is an entry in ClinVar:

ClinVar aggregate classification (germline): Uncertain significance (1 of 4 stars; one submission).

Conditions:
Neurofibromatosis, type 1 (NF1). Also called: VON RECKLINGHAUSEN DISEASE; Neurofibromatosis, type I; NEUROFIBROMATOSIS, TYPE I, SOMATIC; Peripheral type neurofibromatosis. Identifiers: Orphanet 636, MedGen C0027831, MONDO:0018975, OMIM 162200. Disease mechanism: loss of function.

Submission:

Labcorp Genetics (formerly Invitae), Labcorp
Classification: Uncertain significance for Neurofibromatosis, type 1. Last evaluated: 2018-07-18. Review status: criteria provided, single submitter. Criteria: Invitae Variant Classification Sherloc (09022015). Collection method: clinical testing. Allele origin: germline.
Comment: This sequence change replaces alanine with serine at codon 246 of the NF1 protein (p.Ala246Ser). The alanine residue is moderately conserved and there is a moderate physicochemical difference between alanine and serine. This variant is not present in population databases (ExAC no frequency). This variant has not been reported in the literature in individuals with NF1-related disease. Algorithms developed to predict the effect of missense changes on protein structure and function (SIFT, PolyPhen-2, Align-GVGD) all suggest that this variant is likely to be tolerated, but these predictions have not been confirmed by published functional studies and their clinical significance is uncertain. In summary, the available evidence is currently insufficient to determine the role of this variant in disease. Therefore, it has been classified as a Variant of Uncertain Significance.

NM_001042492.3(NF1):c.736G>T (p.Ala246Ser)

Gene: NF1 (neurofibromin 1; plus strand). Cytogenetic location: 17q11.2.
Variant type: single nucleotide variant.
Coding change: c.736G>T on transcript NM_001042492.3 (MANE Select); coding-DNA position 736, G replaced by T.
Protein change: p.Ala246Ser; replaces alanine 246 with serine.
Molecular consequence: missense variant.
Genome position (GRCh38, 1-based): chr17:31,182,513, G>T. VCF-style: chr17-31182513-G-T. GRCh37 (hg19) VCF-style: chr17-29509531-G-T.
Other names: c.736G>T, p.Ala246Ser (NM_000267.4, NM_001128147.3); short protein forms A246S.
Identifiers: ClinVar variation 648450 (VCV000648450.5), dbSNP rs1597659751, ClinGen allele CA398990497.